The following is an entry in ClinVar:

NM_001110556.2(FLNA):c.6106C>A (p.Pro2036Thr)

Gene: FLNA (filamin A; minus strand). Cytogenetic location: Xq28.
Variant type: single nucleotide variant.
Coding change: c.6106C>A on transcript NM_001110556.2 (MANE Select); coding-DNA position 6106, C replaced by A.
Protein change: p.Pro2036Thr; replaces proline 2036 with threonine.
Molecular consequence: missense variant.
Genome position (GRCh38, 1-based): chrX:154,353,121, G>T on the plus strand (C>A on the coding strand, the complement: FLNA is on the minus strand). VCF-style: chrX-154353121-G-T. GRCh37 (hg19) VCF-style: chrX-153581489-G-T.
Other names: c.6082C>A, p.Pro2028Thr (NM_001456.4); short protein forms P2028T, P2036T.
Identifiers: ClinVar variation 2002047 (VCV002002047.4), dbSNP rs2522723256, ClinGen allele CA415196068.

ClinVar aggregate classification (germline): Uncertain significance (1 of 4 stars; one submission).

Conditions:
Oto-palato-digital syndrome, type II (OPD2). Also called: FACIOPALATOOSSEOUS SYNDROME; OPD II SYNDROME; Otopalatodigital Syndrome Type 2 (FLNA-OPD2); Otopalatodigital Syndrome, Type II. Identifiers: Orphanet 669, Orphanet 90652, MedGen C1844696, MONDO:0010571, OMIM 304120.
Melnick-Needles syndrome (MNS). Also called: MELNICK-NEEDLES OSTEODYSPLASTY; OSTEODYSPLASTY OF MELNICK AND NEEDLES; Melnick-Needles Syndrome (FLNA-MNS). Identifiers: Orphanet 2484, MedGen C0025237, MONDO:0010650, OMIM 309350.
Frontometaphyseal dysplasia (FMD1). Identifiers: Orphanet 1826, MedGen C0265293, MONDO:0015942.
Heterotopia, periventricular, X-linked dominant (PVNH1). Also called: PERIVENTRICULAR NODULAR HETEROTOPIA 1; X-linked periventricular heterotopia; PERIVENTRICULAR NODULAR HETEROTOPIA 4; HETEROTOPIA, PERIVENTRICULAR, 1. Identifiers: Orphanet 2149, Orphanet 82004, MedGen C1848213, MONDO:0010233, OMIM 300049.

Allele frequency attached by ClinVar (database versions not stated): gnomAD exomes below 0.00001.
gnomAD v4.1: 1 of 1,211,261 alleles (0.000083%); highest among the groups gnomAD compares: Non-Finnish European, 0.00011%; no homozygotes.

Submission:

Labcorp Genetics (formerly Invitae), Labcorp
Classification: Uncertain significance for Oto-palato-digital syndrome, type II; Heterotopia, periventricular, X-linked dominant; Frontometaphyseal dysplasia; Melnick-Needles syndrome. Last evaluated: 2022-06-02. Review status: criteria provided, single submitter. Criteria: Invitae Variant Classification Sherloc (09022015). Collection method: clinical testing. Allele origin: germline.
Comment: This sequence change replaces proline, which is neutral and non-polar, with threonine, which is neutral and polar, at codon 2028 of the FLNA protein (p.Pro2028Thr). This variant is not present in population databases (gnomAD no frequency). This variant has not been reported in the literature in individuals affected with FLNA-related conditions. Advanced modeling of protein sequence and biophysical properties (such as structural, functional, and spatial information, amino acid conservation, physicochemical variation, residue mobility, and thermodynamic stability) performed at Invitae indicates that this missense variant is not expected to disrupt FLNA protein function. In summary, the available evidence is currently insufficient to determine the role of this variant in disease. Therefore, it has been classified as a Variant of Uncertain Significance.